The following is an entry in ClinVar:

NM_001845.6(COL4A1):c.2124G>A (p.Gly708=)

Gene: COL4A1 (collagen type IV alpha 1 chain; minus strand). Cytogenetic location: 13q34.
Variant type: single nucleotide variant.
Coding change: c.2124G>A on transcript NM_001845.6 (MANE Select); coding-DNA position 2124, G replaced by A.
Protein change: p.Gly708=; no amino-acid change (glycine 708 retained).
Molecular consequence: synonymous variant.
Genome position (GRCh38, 1-based): chr13:110,181,361, C>T on the plus strand (G>A on the coding strand, the complement: COL4A1 is on the minus strand). VCF-style: chr13-110181361-C-T. GRCh37 (hg19) VCF-style: chr13-110833708-C-T.
Other names: p.Gly708=.
Identifiers: ClinVar variation 311057 (VCV000311057.26), dbSNP rs78426988, ClinGen allele CA7047694.

ClinVar aggregate classification (germline): Benign/Likely benign. Review status: criteria provided, multiple submitters, no conflicts (2 of 4 stars). 10 submissions from 9 submitters: Benign (7); Likely benign (1). 2 of the submissions do not count toward it. Last evaluated 2026-02-04.

Conditions:
Brain small vessel disease 1 with or without ocular anomalies (BSVD1). Also called: PORENCEPHALY, TYPE 1, AUTOSOMAL DOMINANT; Brain small vessel disease with or without ocular anomalies; GOULD SYNDROME 1; BRAIN SMALL VESSEL DISEASE WITH HEMORRHAGE. Identifiers: Orphanet 2940, Orphanet 36383, Orphanet 99810, MedGen C4755307, MONDO:0008289, OMIM 175780.
Autosomal dominant familial hematuria-retinal arteriolar tortuosity-contractures syndrome. Also called: Hereditary Angiopathy with Nephropathy, Aneurysms, and Muscle Cramps (HANAC) Syndrome; Angiopathy, hereditary, with nephropathy, aneurysms, and muscle cramps. Identifiers: Orphanet 73229, MedGen C2673195, MONDO:0012726, OMIM 611773.

Allele frequency attached by ClinVar (database versions not stated): gnomAD exomes 0.00174 and 0.00446; ExAC 0.00506; gnomAD 0.01421 and 0.01512; ESP Exome Variant Server 0.01576; TOPMed 0.01658; 1000 Genomes Project 30x 0.01905; 1000 Genomes Project 0.01917.
gnomAD v4.1: 4,841 of 1,613,604 alleles (0.3%); highest among the groups gnomAD compares: African/African-American, 4.9%; 92 homozygotes.

Submissions (10):

Labcorp Genetics (formerly Invitae), Labcorp
Classification: Benign. Last evaluated: 2026-02-04. Review status: criteria provided, single submitter. Criteria: Invitae Variant Classification Sherloc (09022015). Collection method: clinical testing. Allele origin: germline.

Blueprint Genetics
Classification: Likely benign. Last evaluated: 2024-11-27. Review status: criteria provided, single submitter. Criteria: ACMG Guidelines, 2015. Collection method: clinical testing. Allele origin: germline.

Mayo Clinic Laboratories, Mayo Clinic
Classification: Benign. Last evaluated: 2023-04-27. Review status: criteria provided, single submitter. Criteria: ACMG Guidelines, 2015. Collection method: clinical testing. Allele origin: germline. Observed: 22 variant alleles.
Comment: BS1, BS2, BP4, BP7

Athena Diagnostics
Classification: Benign. Last evaluated: 2020-12-24. Review status: criteria provided, single submitter. Criteria: Athena Diagnostics criteria. Collection method: clinical testing. Allele origin: unknown.

GeneDx
Classification: Benign. Last evaluated: 2019-11-24. Review status: criteria provided, single submitter. Criteria: GeneDx Variant Classification Process June 2021. Collection method: clinical testing. Allele origin: germline. Affected: yes.

Illumina Laboratory Services, Illumina
Classification: Benign for Brain small vessel disease 1 with or without ocular anomalies. Last evaluated: 2018-01-13. Review status: criteria provided, single submitter. Criteria: ICSL Variant Classification Criteria 13 December 2019. Collection method: clinical testing. Allele origin: germline.
Comment: This variant was observed in the ICSL laboratory as part of a predisposition screen in an ostensibly healthy population. It had not been previously curated by ICSL or reported in the Human Gene Mutation Database (HGMD: prior to June 1st, 2018), and was therefore a candidate for classification through an automated scoring system. Utilizing variant allele frequency, disease prevalence and penetrance estimates, and inheritance mode, an automated score was calculated to assess if this variant is too frequent to cause the disease. Based on the score and internal cut-off values, a variant classified as benign is not then subjected to further curation. The score for this variant resulted in a classification of benign for this disease.

Illumina Laboratory Services, Illumina
Classification: Benign for Autosomal dominant familial hematuria-retinal arteriolar tortuosity-contractures syndrome. Last evaluated: 2018-01-13. Review status: criteria provided, single submitter. Criteria: ICSL Variant Classification Criteria 13 December 2019. Collection method: clinical testing. Allele origin: germline.
Comment: the same text as in the submission from Illumina Laboratory Services, Illumina above.

Breakthrough Genomics
Classification: Benign. Review status: criteria provided, single submitter. Criteria: ACMG Guidelines, 2015. Collection method: not provided. Allele origin: germline. Inheritance: Autosomal dominant inheritance. Affected: yes.

Clinical Genetics DNA and cytogenetics Diagnostics Lab, Erasmus MC, Erasmus Medical Center
Classification: Benign. Review status: no assertion criteria provided. Collection method: clinical testing. Allele origin: germline. Affected: yes. Study: VKGL Data-share Consensus. Not counted in ClinVar's aggregate classification.

Laboratory of Diagnostic Genome Analysis, Leiden University Medical Center (LUMC)
Classification: Likely benign. Review status: no assertion criteria provided. Collection method: clinical testing. Allele origin: germline. Affected: yes. Study: VKGL Data-share Consensus. Not counted in ClinVar's aggregate classification.